The following is an entry in ClinVar:

ClinVar aggregate classification (germline): Uncertain significance (1 of 4 stars; one submission).

Allele frequency attached by ClinVar (database versions not stated): ExAC 0.00002; gnomAD exomes 0.00002; gnomAD 0.00003; TOPMed 0.00013.
gnomAD v4.1: 28 of 1,613,984 alleles (0.0017%); highest among the groups gnomAD compares: Admixed American, 0.015%; no homozygotes.

Submission:

Labcorp Genetics (formerly Invitae), Labcorp
Classification: Uncertain significance. Last evaluated: 2022-11-01. Review status: criteria provided, single submitter. Criteria: Invitae Variant Classification Sherloc (09022015). Collection method: clinical testing. Allele origin: germline.
Comment: This sequence change replaces arginine, which is basic and polar, with cysteine, which is neutral and slightly polar, at codon 42 of the RLBP1 protein (p.Arg42Cys). This variant is present in population databases (rs765041521, gnomAD 0.006%). This variant has not been reported in the literature in individuals affected with RLBP1-related conditions. ClinVar contains an entry for this variant (Variation ID: 850147). Algorithms developed to predict the effect of missense changes on protein structure and function are either unavailable or do not agree on the potential impact of this missense change (SIFT: "Deleterious"; PolyPhen-2: "Possibly Damaging"; Align-GVGD: "Class C0"). In summary, the available evidence is currently insufficient to determine the role of this variant in disease. Therefore, it has been classified as a Variant of Uncertain Significance.

NM_000326.5(RLBP1):c.124C>T (p.Arg42Cys)

Gene: RLBP1 (retinaldehyde binding protein 1; minus strand). Cytogenetic location: 15q26.1.
Variant type: single nucleotide variant.
Coding change: c.124C>T on transcript NM_000326.5 (MANE Select); coding-DNA position 124, C replaced by T.
Protein change: p.Arg42Cys; replaces arginine 42 with cysteine.
Molecular consequence: missense variant.
Genome position (GRCh38, 1-based): chr15:89,218,582, G>A on the plus strand (C>T on the coding strand, the complement: RLBP1 is on the minus strand). VCF-style: chr15-89218582-G-A. GRCh37 (hg19) VCF-style: chr15-89761813-G-A.
Other names: short protein forms R42C.
Identifiers: ClinVar variation 850147 (VCV000850147.7), dbSNP rs765041521, ClinGen allele CA7722390.